The following is an entry in ClinVar:

NM_020433.5(JPH2):c.1622A>G (p.Glu541Gly)

Gene: JPH2 (junctophilin 2; minus strand). Cytogenetic location: 20q13.12.
Variant type: single nucleotide variant.
Coding change: c.1622A>G on transcript NM_020433.5 (MANE Select); coding-DNA position 1622, A replaced by G.
Protein change: p.Glu541Gly; replaces glutamic acid 541 with glycine.
Molecular consequence: missense variant.
Genome position (GRCh38, 1-based): chr20:44,116,053, T>C on the plus strand (A>G on the coding strand, the complement: JPH2 is on the minus strand). VCF-style: chr20-44116053-T-C. GRCh37 (hg19) VCF-style: chr20-42744693-T-C.
Other names: short protein forms E541G.
Identifiers: ClinVar variation 1776624 (VCV001776624.3), dbSNP rs879432950, ClinGen allele CA314642594.

ClinVar aggregate classification (germline): Uncertain significance. Review status: criteria provided, multiple submitters, no conflicts (2 of 4 stars). 2 submissions from 2 submitters: Uncertain significance (2). Last evaluated 2023-11-20.

Conditions:
Cardiovascular phenotype. Identifiers: MedGen CN230736.

Submissions (2):

GeneDx
Classification: Uncertain significance. Last evaluated: 2023-11-20. Review status: criteria provided, single submitter. Criteria: GeneDx Variant Classification Process June 2021. Collection method: clinical testing. Allele origin: germline. Affected: yes.
Comment: Not observed at significant frequency in large population cohorts (gnomAD); In silico analysis supports that this missense variant does not alter protein structure/function; Has not been previously published as pathogenic or benign to our knowledge

Ambry Genetics
Classification: Uncertain significance for Cardiovascular phenotype. Last evaluated: 2019-12-17. Review status: criteria provided, single submitter. Criteria: Ambry Variant Classification Scheme 2023. Collection method: clinical testing. Allele origin: germline.
Comment: The p.E541G variant (also known as c.1622A>G), located in coding exon 4 of the JPH2 gene, results from an A to G substitution at nucleotide position 1622. The glutamic acid at codon 541 is replaced by glycine, an amino acid with similar properties. This amino acid position is well conserved in available vertebrate species. In addition, this alteration is predicted to be tolerated by in silico analysis. Since supporting evidence is limited at this time, the clinical significance of this alteration remains unclear.